The following is an entry in ClinVar:

NM_181703.4(GJA5):c.947G>A (p.Arg316His)

Gene: GJA5 (gap junction protein alpha 5; minus strand). Cytogenetic location: 1q21.2.
Variant type: single nucleotide variant.
Coding change: c.947G>A on transcript NM_181703.4 (MANE Select); coding-DNA position 947, G replaced by A.
Protein change: p.Arg316His; replaces arginine 316 with histidine.
Molecular consequence: missense variant.
Genome position (GRCh38, 1-based): chr1:147,758,292, C>T on the plus strand (G>A on the coding strand, the complement: GJA5 is on the minus strand). VCF-style: chr1-147758292-C-T. GRCh37 (hg19) VCF-style: chr1-147230400-C-T.
Other names: c.947G>A, p.Arg316His (NM_005266.7); short protein forms R316H.
Identifiers: ClinVar variation 835840 (VCV000835840.9), dbSNP rs369631383, ClinGen allele CA1065671.

ClinVar aggregate classification (germline): Uncertain significance (1 of 4 stars; one submission).

Conditions:
Atrial standstill 1 (ATRST1). Also called: ATRIAL CARDIOMYOPATHY WITH HEART BLOCK; CARDIOMYOPATHY, FAMILIAL, WITH CONDUCTION DISTURBANCE; Atrial standstill, digenic (GJA5/SCN5A). Identifiers: Orphanet 1344, MedGen C4551959, MONDO:0007171, OMIM 108770.
Atrial fibrillation, familial, 11 (ATFB11). Identifiers: MedGen C3279693, MONDO:0013544, OMIM 614049.

Allele frequency attached by ClinVar (database versions not stated): TOPMed 0.00004.
gnomAD v4.1: 49 of 1,613,990 alleles (0.003%); highest among the groups gnomAD compares: Non-Finnish European, 0.004%; no homozygotes.

Submission:

Labcorp Genetics (formerly Invitae), Labcorp
Classification: Uncertain significance for Atrial fibrillation, familial, 11; Atrial standstill 1. Last evaluated: 2024-10-18. Review status: criteria provided, single submitter. Criteria: Invitae Variant Classification Sherloc (09022015). Collection method: clinical testing. Allele origin: germline.
Comment: This sequence change replaces arginine, which is basic and polar, with histidine, which is basic and polar, at codon 316 of the GJA5 protein (p.Arg316His). This variant is present in population databases (rs369631383, gnomAD 0.0009%). This variant has not been reported in the literature in individuals affected with GJA5-related conditions. ClinVar contains an entry for this variant (Variation ID: 835840). An algorithm developed to predict the effect of missense changes on protein structure and function outputs the following: PolyPhen-2: "Benign". The histidine amino acid residue is found in multiple mammalian species, which suggests that this missense change does not adversely affect protein function. In summary, the available evidence is currently insufficient to determine the role of this variant in disease. Therefore, it has been classified as a Variant of Uncertain Significance.